The following is an entry in ClinVar:

ClinVar aggregate classification (germline): Pathogenic (3 of 4 stars; one submission).

Conditions:
Breast-ovarian cancer, familial, susceptibility to, 1 (BROVCA1). Also called: BRCA1 Hereditary Breast and Ovarian Cancer; OVARIAN CANCER, SUSCEPTIBILITY TO. Identifiers: Orphanet 145, MedGen C2676676, MONDO:0011450, OMIM 604370. Disease mechanism: loss of function.

Submission:

Evidence-based Network for the Interpretation of Germline Mutant Alleles (ENIGMA)
Classification: Pathogenic for Breast-ovarian cancer, familial, susceptibility to, 1. Last evaluated: 2016-10-18. Review status: reviewed by expert panel. Criteria: ENIGMA BRCA1/2 Classification Criteria (2015). Collection method: curation. Allele origin: germline.
Comment: Variant allele predicted to encode a truncated non-functional protein.

NM_007294.4(BRCA1):c.3075_3076insGGAAAACTTTGAGGAACATTCAATGTCACCTGAAAGAGAAATGGGAAATGAGATCATTCCAAGTACAGTGAGCACA (p.Ile1026delinsGlyLysLeuTer)

Gene: BRCA1 (BRCA1 DNA repair associated; minus strand). Cytogenetic location: 17q21.31.
Variant type: Microsatellite.
Coding change: c.3075_3076insGGAAAACTTTGAGGAACATTCAATGTCACCTGAAAGAGAAATGGGAAATGAGATCATTCCAAGTACAGTGAGCACA on transcript NM_007294.4 (MANE Select); coding-DNA positions 3075 to 3076, GGAAAACTTTGAGGAACATTCAATGTCACCTGAAAGAGAAATGGGAAATGAGATCATTCCAAGTACAGTGAGCACA inserted.
Protein change: p.Ile1026delinsGlyLysLeuTer.
Molecular consequence: nonsense. On other transcripts: inframe indel (1), intron variant (137).
Genome position: GRCh38: chr17:43,092,456-43,092,477. GRCh37 (hg19): chr17:41,244,473-41,244,494.
Other names: 3195ins76(GGAAAACTTTGAGGAACATTCAATGTCACCTGAAAGAGAAATGGGAAATGAGATCATTCCAAGTACAGTGAGCACA); c.3075_3076insGGAAAACTTTGAGGAACATTCAATGTCACCTGAAAGAGAAATGGGAAATGAGATCATTCCAAGTACAGTGAGCACA, p.Ile1026delinsGlyLysLeuTer (NM_007294.3, NM_001407684.1, NM_001407854.1 and 31 more transcripts); c.2997_2998insGGAAAACTTTGAGGAACATTCAATGTCACCTGAAAGAGAAATGGGAAATGAGATCATTCCAAGTACAGTGAGCACA, p.Ile1000delinsGlyLysLeuTer (NM_001407657.1, NM_001407658.1, NM_001407663.1 and 4 more transcripts); c.2994_2995insGGAAAACTTTGAGGAACATTCAATGTCACCTGAAAGAGAAATGGGAAATGAGATCATTCCAAGTACAGTGAGCACA, p.Ile999delinsGlyLysLeuTer (NM_001407659.1, NM_001407660.1, NM_001407661.1 and 1 more transcripts); c.2952_2953insGGAAAACTTTGAGGAACATTCAATGTCACCTGAAAGAGAAATGGGAAATGAGATCATTCCAAGTACAGTGAGCACA, p.Ile985delinsGlyLysLeuTer (NM_001407664.1, NM_001407665.1, NM_001407666.1 and 19 more transcripts); c.2949_2950insGGAAAACTTTGAGGAACATTCAATGTCACCTGAAAGAGAAATGGGAAATGAGATCATTCCAAGTACAGTGAGCACA, p.Ile984delinsGlyLysLeuTer (NM_001407670.1, NM_001407671.1, NM_001407672.1 and 11 more transcripts); c.2934_2935insGGAAAACTTTGAGGAACATTCAATGTCACCTGAAAGAGAAATGGGAAATGAGATCATTCCAAGTACAGTGAGCACA, p.Ile979delinsGlyLysLeuTer (NM_001407692.1, NM_001407694.1, NM_001407695.1 and 29 more transcripts); c.2931_2932insGGAAAACTTTGAGGAACATTCAATGTCACCTGAAAGAGAAATGGGAAATGAGATCATTCCAAGTACAGTGAGCACA, p.Ile978delinsGlyLysLeuTer (NM_001407740.1, NM_001407741.1, NM_001407742.1 and 20 more transcripts); and 42 more.
Identifiers: ClinVar variation 266332 (VCV000266332.4), dbSNP rs886040095.